The following is an entry in ClinVar:

ClinVar aggregate classification (germline): Uncertain significance. Review status: criteria provided, multiple submitters, no conflicts (2 of 4 stars). 2 submissions from 2 submitters: Uncertain significance (2). Last evaluated 2018-09-19.

Conditions:
Hereditary breast ovarian cancer syndrome. Also called: Hereditary breast and ovarian cancer; Hereditary breast and ovarian cancer syndrome; BRCA1- and BRCA2-Associated Hereditary Breast and Ovarian Cancer; Hereditary breast and ovarian cancer syndrome (HBOC); Breast and ovarian cancer; Hereditary breast and/or ovarian cancer syndrome. Identifiers: Orphanet 145, MedGen C0677776, MeSH D061325, MONDO:0003582. Disease mechanism: loss of function.
Breast and/or ovarian cancer. Identifiers: MedGen CN221562.

Submissions (2):

Labcorp Genetics (formerly Invitae), Labcorp
Classification: Uncertain significance for Hereditary breast ovarian cancer syndrome. Last evaluated: 2018-09-19. Review status: criteria provided, single submitter. Criteria: Invitae Variant Classification Sherloc (09022015). Collection method: clinical testing. Allele origin: germline.
Comment: In summary, the available evidence is currently insufficient to determine the role of this variant in disease. Therefore, it has been classified as a Variant of Uncertain Significance. Experimental studies and prediction algorithms are not available for this variant, and the functional significance of the affected amino acid(s) is currently unknown. This variant has not been reported in the literature in individuals with BRCA2-related disease. ClinVar contains an entry for this variant (Variation ID: 267225). This variant is not present in population databases (ExAC no frequency). This variant, c.8034_8046delinsA, results in the deletion of 4 amino acids of the BRCA2 protein (p.Asp2679_Ala2682del), but otherwise preserves the integrity of the reading frame.

CHEO Genetics Diagnostic Laboratory, Children's Hospital of Eastern Ontario
Classification: Uncertain significance for Breast and/or ovarian cancer. Last evaluated: 2015-07-07. Review status: criteria provided, single submitter. Criteria: ACMG Guidelines, 2015. Collection method: clinical testing. Allele origin: germline. Study: Canadian Open Genetics Repository.

NM_000059.4(BRCA2):c.8034_8046delinsA (p.Asp2679_Ala2682del)

Gene: BRCA2 (BRCA2 DNA repair associated; plus strand). Cytogenetic location: 13q13.1.
Variant type: Indel.
Coding change: c.8034_8046delinsA on transcript NM_000059.4 (MANE Select); coding-DNA positions 8034 to 8046, GGATGACACAGCT replaced by A.
Protein change: p.Asp2679_Ala2682del.
Molecular consequence: inframe deletion.
Genome position (GRCh38, 1-based): chr13:32,363,236-32,363,248, GGATGACACAGCT replaced by A. VCF-style: chr13-32363236-GGATGACACAGCT-A. GRCh37 (hg19) VCF-style: chr13-32937373-GGATGACACAGCT-A.
Identifiers: ClinVar variation 267225 (VCV000267225.7), dbSNP rs886040866, ClinGen allele CA10590058.
Genomic context (GRCh38, chr13:32,363,236, plus strand): 5'-TAGATATGATACGGAAATTGATAGAAGCAGAAGATCGGCTATAAAAAAGATAATGGAAAG[GGATGACACAGCT>A]GCAAAAACACTTGTTCTCTGTGTTTCTGACATAATTTCATTGAGCGCAAATATATCTGAA-3'